The following is an entry in ClinVar:

NM_001943.5(DSG2):c.564_565delinsAA (p.Pro189Thr)

Gene: DSG2 (desmoglein 2; plus strand). Cytogenetic location: 18q12.1.
Variant type: Indel.
Coding change: c.564_565delinsAA on transcript NM_001943.5 (MANE Select); coding-DNA positions 564 to 565, GC replaced by AA.
Protein change: p.Pro189Thr; replaces proline 189 with threonine.
Molecular consequence: missense variant.
Genome position (GRCh38, 1-based): chr18:31,522,123-31,522,124, GC replaced by AA. VCF-style: chr18-31522123-GC-AA. GRCh37 (hg19) VCF-style: chr18-29102086-GC-AA.
Other names: short protein forms P189T.
Identifiers: ClinVar variation 2159204 (VCV002159204.4), dbSNP rs2510911580, ClinGen allele CA2580095601.
Genomic context (GRCh38, chr18:31,522,123, plus strand): 5'-ATCTTTATTTCTAATGCCAGATACTCTTGTGATGAAAATCAATGCAACAGATGCAGATGA[GC>AA]CCAATACCCTGAATTCGAAAATTTCCTATAGAATCGTATCTCTGGAGCCTGCTTATCCTC-3'
Protein context (NP_001934.2, residues 179-199): MKINATDADE[Pro189Thr]NTLNSKISYR

ClinVar aggregate classification (germline): Uncertain significance (1 of 4 stars; one submission).

Conditions:
Arrhythmogenic right ventricular dysplasia 10. Also called: Arrhythmogenic right ventricular dysplasia/cardiomyopathy, type 10; Arrhythmogenic Right Ventricular Dysplasia/Cardiomyopathy10; ARRHYTHMOGENIC RIGHT VENTRICULAR DYSPLASIA, FAMILIAL, 10. Identifiers: MedGen C1857777, MONDO:0012434, OMIM 610193.

Submission:

Labcorp Genetics (formerly Invitae), Labcorp
Classification: Uncertain significance for Arrhythmogenic right ventricular dysplasia 10. Last evaluated: 2025-08-26. Review status: criteria provided, single submitter. Criteria: Invitae Variant Classification Sherloc (09022015). Collection method: clinical testing. Allele origin: germline.
Comment: This sequence change replaces proline, which is neutral and non-polar, with threonine, which is neutral and polar, at codon 189 of the DSG2 protein (p.Pro189Thr). Information on the frequency of this variant in the gnomAD database is not available, as this variant may be reported differently in the database. This variant has not been reported in the literature in individuals affected with DSG2-related conditions. ClinVar contains an entry for this variant (Variation ID: 2159204). Experimental studies and prediction algorithms are not available or were not evaluated, and the functional significance of this variant is currently unknown. In summary, the available evidence is currently insufficient to determine the role of this variant in disease. Therefore, it has been classified as a Variant of Uncertain Significance.